The following is an entry in ClinVar:

ClinVar aggregate classification (germline): Uncertain significance (1 of 4 stars; one submission).

Conditions:
HNF1B-related disorder. Also called: HNF1B-related condition; HNF1B-related disorders.

Submission:

PreventionGenetics, part of Exact Sciences
Classification: Uncertain significance for HNF1B-related condition. Last evaluated: 2026-01-07. Review status: criteria provided, single submitter. Criteria: ACMG Guidelines, 2015. Collection method: clinical testing. Allele origin: germline.
Comment: The HNF1B c.836C>A variant is predicted to result in the amino acid substitution p.Ser279Tyr. To our knowledge, this variant has not been reported in the literature or in a large population database (gnomAD), indicating this variant is rare. At this time, the clinical significance of this variant is uncertain due to the absence of conclusive functional and genetic evidence.

NM_000458.4(HNF1B):c.836C>A (p.Ser279Tyr)

Gene: HNF1B (HNF1 homeobox B; minus strand). Cytogenetic location: 17q12.
Variant type: single nucleotide variant.
Coding change: c.836C>A on transcript NM_000458.4 (MANE Select); coding-DNA position 836, C replaced by A.
Protein change: p.Ser279Tyr; replaces serine 279 with tyrosine.
Molecular consequence: missense variant.
Genome position (GRCh38, 1-based): chr17:37,731,804, G>T on the plus strand (C>A on the coding strand, the complement: HNF1B is on the minus strand). VCF-style: chr17-37731804-G-T. GRCh37 (hg19) VCF-style: chr17-36091795-G-T.
Other names: c.758C>A, p.Ser253Tyr (NM_001165923.4, NM_001304286.2); c.836C>A, p.Ser279Tyr (NM_001411100.1); short protein forms S253Y, S279Y.
Identifiers: ClinVar variation 4991848 (VCV004991848.1).
Genomic context (GRCh38, chr17:37,731,804, plus strand): 5'-CAGTTGTAGACACGGACCTCAGTGACCAAGTTGGAGCCCAGGCCGTGGGCTTTGGAGGGG[G>T]ACACCCCTCGCTGCAAACATTCTGCCCTGGGAATGGATGGAGGGGAGATGGTGAGTGAGG-3'
Protein context (NP_000449.1, residues 269-289): NRAECLQRGV[Ser279Tyr]PSKAHGLGSN